The following is an entry in ClinVar:

ClinVar aggregate classification (germline): Uncertain significance. Review status: criteria provided, multiple submitters, no conflicts (2 of 4 stars). 3 submissions from 3 submitters: Uncertain significance (3). Last evaluated 2024-07-02.

Conditions:
Inborn genetic diseases. Identifiers: MedGen C0950123, MeSH D030342.

Allele frequency attached by ClinVar (database versions not stated): gnomAD exomes 0.00001 and 0.00002; gnomAD 0.00007 and 0.00009; TOPMed 0.00019.
gnomAD v4.1: 16 of 1,472,900 alleles (0.0011%); highest among the groups gnomAD compares: Admixed American, 0.034%; no homozygotes.

Submissions (3):

GeneDx
Classification: Uncertain significance. Last evaluated: 2024-07-02. Review status: criteria provided, single submitter. Criteria: GeneDx Variant Classification Process June 2021. Collection method: clinical testing. Allele origin: germline. Affected: yes.
Comment: In silico analysis indicates that this missense variant does not alter protein structure/function; Has not been previously published as pathogenic or benign to our knowledge

Ambry Genetics
Classification: Uncertain significance for Inborn genetic diseases. Last evaluated: 2023-11-06. Review status: criteria provided, single submitter. Criteria: Ambry Variant Classification Scheme 2023. Collection method: clinical testing. Allele origin: germline.

Labcorp Genetics (formerly Invitae), Labcorp
Classification: Uncertain significance. Last evaluated: 2021-11-10. Review status: criteria provided, single submitter. Criteria: Invitae Variant Classification Sherloc (09022015). Collection method: clinical testing. Allele origin: germline.
Comment: This sequence change replaces glycine, which is neutral and non-polar, with alanine, which is neutral and non-polar, at codon 4 of the ATP8A2 protein (p.Gly4Ala). The frequency data for this variant in the population databases is considered unreliable, as metrics indicate poor data quality at this position in the gnomAD database. This variant has not been reported in the literature in individuals affected with ATP8A2-related conditions. Algorithms developed to predict the effect of missense changes on protein structure and function output the following: SIFT: "Tolerated"; PolyPhen-2: "Benign"; Align-GVGD: "Class C0". The alanine amino acid residue is found in multiple mammalian species, which suggests that this missense change does not adversely affect protein function. In summary, the available evidence is currently insufficient to determine the role of this variant in disease. Therefore, it has been classified as a Variant of Uncertain Significance.

NM_016529.6(ATP8A2):c.11G>C (p.Gly4Ala)

Gene: ATP8A2 (ATPase phospholipid transporting 8A2). Cytogenetic location: 13q12.13.
Variant type: single nucleotide variant.
Coding change: c.11G>C on transcript NM_016529.6 (MANE Select); coding-DNA position 11, G replaced by C.
Protein change: p.Gly4Ala; replaces glycine 4 with alanine.
Molecular consequence: missense variant.
Genome position (GRCh38, 1-based): chr13:25,372,223, G>C. VCF-style: chr13-25372223-G-C. GRCh37 (hg19) VCF-style: chr13-25946361-G-C.
Other names: c.11G>C (NM_016529.4); short protein forms G4A.
Identifiers: ClinVar variation 1504688 (VCV001504688.5), dbSNP rs987992244, ClinGen allele CA247140363.